The following is an entry in ClinVar:

NM_002204.4(ITGA3):c.2603C>T (p.Ser868Leu)

Gene: ITGA3 (integrin subunit alpha 3; plus strand). Cytogenetic location: 17q21.33.
Variant type: single nucleotide variant.
Coding change: c.2603C>T on transcript NM_002204.4 (MANE Select); coding-DNA position 2603, C replaced by T.
Protein change: p.Ser868Leu; replaces serine 868 with leucine.
Molecular consequence: missense variant.
Genome position (GRCh38, 1-based): chr17:50,079,454, C>T. VCF-style: chr17-50079454-C-T. GRCh37 (hg19) VCF-style: chr17-48156818-C-T.
Other names: short protein forms S868L.
Identifiers: ClinVar variation 1355535 (VCV001355535.7), dbSNP rs774360825, ClinGen allele CA8641977.

ClinVar aggregate classification (germline): Uncertain significance. Review status: criteria provided, multiple submitters, no conflicts (2 of 4 stars). 2 submissions from 2 submitters: Uncertain significance (2). Last evaluated 2025-09-08.

Conditions:
Epidermolysis bullosa, junctional 7, with interstitial lung disease and nephrotic syndrome. Also called: Interstitial Lung Disease with Nephrotic Syndrome and Epidermolysis Bullosa; Interstitial lung disease, nephrotic syndrome, and epidermolysis bullosa, congenital. Identifiers: Orphanet 306504, MedGen C4518785, MONDO:0013881, OMIM 614748.

Allele frequency attached by ClinVar (database versions not stated): gnomAD 0.00001; gnomAD exomes 0.00001 and 0.00004; TOPMed 0.00002; ExAC 0.00005.
gnomAD v4.1: 19 of 1,573,130 alleles (0.0012%); highest among the groups gnomAD compares: Non-Finnish European, 0.0016%; no homozygotes.

Submissions (2):

Labcorp Genetics (formerly Invitae), Labcorp
Classification: Uncertain significance. Last evaluated: 2025-09-08. Review status: criteria provided, single submitter. Criteria: Invitae Variant Classification Sherloc (09022015). Collection method: clinical testing. Allele origin: germline.
Comment: This sequence change replaces serine, which is neutral and polar, with leucine, which is neutral and non-polar, at codon 868 of the ITGA3 protein (p.Ser868Leu). The frequency data for this variant in the population databases is considered unreliable, as metrics indicate poor data quality at this position in the gnomAD database. This variant has not been reported in the literature in individuals affected with ITGA3-related conditions. ClinVar contains an entry for this variant (Variation ID: 1355535). An algorithm developed to predict the effect of missense changes on protein structure and function outputs the following: PolyPhen-2: "Benign". The leucine amino acid residue is found in multiple mammalian species, which suggests that this missense change does not adversely affect protein function. In summary, the available evidence is currently insufficient to determine the role of this variant in disease. Therefore, it has been classified as a Variant of Uncertain Significance.

Fulgent Genetics
Classification: Uncertain significance for Epidermolysis bullosa, junctional 7, with interstitial lung disease and nephrotic syndrome. Last evaluated: 2024-02-21. Review status: criteria provided, single submitter. Criteria: ACMG Guidelines, 2015. Collection method: clinical testing. Allele origin: germline.